The following is an entry in ClinVar:

NM_004055.5(CAPN5):c.1327C>G (p.Gln443Glu)

Gene: CAPN5 (calpain 5; plus strand). Cytogenetic location: 11q13.5.
Variant type: single nucleotide variant.
Coding change: c.1327C>G on transcript NM_004055.5 (MANE Select); coding-DNA position 1327, C replaced by G.
Protein change: p.Gln443Glu; replaces glutamine 443 with glutamic acid.
Molecular consequence: missense variant.
Genome position (GRCh38, 1-based): chr11:77,120,749, C>G. VCF-style: chr11-77120749-C-G. GRCh37 (hg19) VCF-style: chr11-76831795-C-G.
Other names: short protein forms Q443E.
Identifiers: ClinVar variation 2003757 (VCV002003757.5), dbSNP rs1950513541, ClinGen allele CA381942896.

ClinVar aggregate classification (germline): Uncertain significance. Review status: criteria provided, multiple submitters, no conflicts (2 of 4 stars). 2 submissions from 2 submitters: Uncertain significance (2). Last evaluated 2022-09-30.

Allele frequency attached by ClinVar (database versions not stated): TOPMed below 0.00001.

Submissions (2):

Blueprint Genetics
Classification: Uncertain significance. Last evaluated: 2022-09-30. Review status: criteria provided, single submitter. Criteria: ACMG Guidelines, 2015. Collection method: clinical testing. Allele origin: germline.

Labcorp Genetics (formerly Invitae), Labcorp
Classification: Uncertain significance. Last evaluated: 2022-08-12. Review status: criteria provided, single submitter. Criteria: Invitae Variant Classification Sherloc (09022015). Collection method: clinical testing. Allele origin: germline.
Comment: This variant has not been reported in the literature in individuals affected with CAPN5-related conditions. This variant is not present in population databases (gnomAD no frequency). This sequence change replaces glutamine, which is neutral and polar, with glutamic acid, which is acidic and polar, at codon 443 of the CAPN5 protein (p.Gln443Glu). Algorithms developed to predict the effect of missense changes on protein structure and function are either unavailable or do not agree on the potential impact of this missense change (SIFT: "Tolerated"; PolyPhen-2: "Probably Damaging"; Align-GVGD: "Class C0"). In summary, the available evidence is currently insufficient to determine the role of this variant in disease. Therefore, it has been classified as a Variant of Uncertain Significance.